The following is an entry in ClinVar:

NM_001164496.2(CFAP44):c.3762C>T (p.Pro1254=)

Genes: CFAP44 (cilia and flagella associated protein 44; minus strand), SPICE1-CFAP44 (SPICE1-CFAP44 readthrough (NMD candidate); minus strand). Cytogenetic location: 3q13.2.
Variant type: single nucleotide variant.
Coding change: c.3762C>T on transcript NM_001164496.2 (MANE Select); coding-DNA position 3762, C replaced by T.
Protein change: p.Pro1254=; no amino-acid change (proline 1254 retained).
Molecular consequence: synonymous variant. On other transcripts: non-coding transcript variant (6).
Genome position (GRCh38, 1-based): chr3:113,330,522, G>A on the plus strand (C>T on the coding strand, the complement: CFAP44 is on the minus strand). VCF-style: chr3-113330522-G-A. GRCh37 (hg19) VCF-style: chr3-113049369-G-A.
Identifiers: ClinVar variation 3051590 (VCV003051590.2), dbSNP rs909097787, ClinGen allele CA81545102.

ClinVar aggregate classification (germline): Likely benign (0 of 4 stars; one submission).

Conditions:
CFAP44-related disorder. Also called: CFAP44-related condition.

Allele frequency attached by ClinVar (database versions not stated): gnomAD 0.00002; gnomAD exomes 0.00002; TOPMed 0.00002.
gnomAD v4.1: 28 of 1,537,054 alleles (0.0018%); highest among the groups gnomAD compares: Non-Finnish European, 0.0024%; no homozygotes.

Submission:

PreventionGenetics, part of Exact Sciences
Classification: Likely benign for CFAP44-related condition. Last evaluated: 2020-02-24. Review status: no assertion criteria provided. Collection method: clinical testing. Allele origin: germline.
Comment: This variant is classified as likely benign based on ACMG/AMP sequence variant interpretation guidelines (Richards et al. 2015 PMID: 25741868, with internal and published modifications).